The following is an entry in ClinVar:

ClinVar aggregate classification (germline): Likely benign (1 of 4 stars; one submission).

Submission:

Mayo Clinic Laboratories, Mayo Clinic
Classification: Likely benign. Last evaluated: 2025-07-30. Review status: criteria provided, single submitter. Criteria: ACMG Guidelines, 2015. Collection method: clinical testing. Allele origin: germline. Observed: 1 variant allele.
Comment: BP4, BP7

NM_001377137.1(GBF1):c.2508T>C (p.Thr836=)

Gene: GBF1 (golgi brefeldin A resistant guanine nucleotide exchange factor 1; plus strand). Cytogenetic location: 10q24.32.
Variant type: single nucleotide variant.
Coding change: c.2508T>C on transcript NM_001377137.1 (MANE Select); coding-DNA position 2508, T replaced by C.
Protein change: p.Thr836=; no amino-acid change (threonine 836 retained).
Molecular consequence: synonymous variant. On other transcripts: non-coding transcript variant (5).
Genome position (GRCh38, 1-based): chr10:102,367,159, T>C. VCF-style: chr10-102367159-T-C. GRCh37 (hg19) VCF-style: chr10-104126916-T-C.
Other names: p.Thr835=; c.2508T>C, p.Thr836= (NM_001199378.2, NM_001391923.1); c.2505T>C, p.Thr835= (NM_001199379.2, NM_001377141.1, NM_001391924.1 and 4 more transcripts); c.2469T>C, p.Thr823= (NM_001377138.1, NM_001391925.1); c.2211T>C, p.Thr737= (NM_001377139.1, NM_001377140.1); c.2604T>C, p.Thr868= (NM_001391922.1, NM_001411027.1); c.2472T>C, p.Thr824= (NM_001391926.1); c.2364T>C, p.Thr788= (NM_001391928.1); and 2 more.
Identifiers: ClinVar variation 4683547 (VCV004683547.1).
Genomic context (GRCh38, chr10:102,367,159, plus strand): 5'-CCCATTTGCCAATAGCGATGCCTGCTTTTCCCTGGCCTATGCTGTCATCATGCTTAATAC[T>C]GACCAGCACAACCACAATGTTCGTAAACAGAATGCACCCATGACCCTGGAGGTAAGCTTG-3'
Protein context (NP_001364066.1, residues 826-846): SLAYAVIMLN[Thr836=]DQHNHNVRKQ